The following is an entry in ClinVar:

NM_000545.8(HNF1A):c.*1165C>T

Genes: C12orf43 (chromosome 12 open reading frame 43; minus strand), HNF1A (HNF1 homeobox A; plus strand). Cytogenetic location: 12q24.31.
Variant type: single nucleotide variant.
Coding change: c.*1165C>T on transcript NM_000545.8 (MANE Select); 1165 bases downstream of the stop codon, C replaced by T.
Molecular consequence: 3 prime UTR variant.
Genome position (GRCh38, 1-based): chr12:121,002,357, C>T. VCF-style: chr12-121002357-C-T. GRCh37 (hg19) VCF-style: chr12-121440160-C-T.
Other names: c.*1796G>A (NM_001286191.2, NM_001286196.2, NM_022895.3); c.*1165C>T (NM_001306179.2, NM_001406915.1).
Identifiers: ClinVar variation 882301 (VCV000882301.5), dbSNP rs927067298, ClinGen allele CA244514648.

ClinVar aggregate classification (germline): Conflicting classifications of pathogenicity. Review status: criteria provided, conflicting classifications (1 of 4 stars). 2 submissions from 2 submitters: Uncertain significance (1); Benign (1). Last evaluated 2017-04-27.

Conditions:
Maturity-onset diabetes of the young (MODY). Also called: Maturity onset diabetes mellitus in young. Identifiers: Orphanet 552, MedGen C0342276, MONDO:0018911, HP:0004904.
Maturity-onset diabetes of the young type 3. Also called: MODY type 3; MODY, type III. Identifiers: Orphanet 552, MedGen C1838100, MeSH C563933, MONDO:0010894, OMIM 600496. Disease mechanism: loss of function.

Allele frequency attached by ClinVar (database versions not stated): TOPMed 0.00017; gnomAD 0.00020.
gnomAD v4.1: 144 of 488,960 alleles (0.029%); highest among the groups gnomAD compares: Admixed American, 0.0056%; 1 homozygote.

Submissions (2):

Illumina Laboratory Services, Illumina
Classification: Uncertain significance for Maturity-onset diabetes of the young type 3. Last evaluated: 2017-04-27. Review status: criteria provided, single submitter. Criteria: ICSL Variant Classification Criteria 13 December 2019. Collection method: clinical testing. Allele origin: germline.

Clinical Genomics, Uppaluri K&H Personalized Medicine Clinic
Classification: Benign for Maturity-onset diabetes of the young. Review status: criteria provided, single submitter. Criteria: K & H Uppaluri Personalized Medicine Clinic Variant Classification & Assertion Criteria_Updated V.1. Collection method: research. Allele origin: unknown. Inheritance: Autosomal dominant inheritance.
Comment: Mutations in HNF1A gene can predispose to MODY3. It is associated with both micro and macrovascular complications of diabetes, especially cardiovascular complications. Associated with glucosuria. May respond well to sulfonylureas. However, more evidence is required to confer the association of this particular variant rs927067298 with MODY3.

Literature cited by the submitters: PubMed 31517624 (cited by Clinical Genomics, Uppaluri K&H Personalized Medicine Clinic); PubMed 32395877 (cited by Clinical Genomics, Uppaluri K&H Personalized Medicine Clinic); PubMed 35328643 (cited by Clinical Genomics, Uppaluri K&H Personalized Medicine Clinic); PubMed 35673428 (cited by Clinical Genomics, Uppaluri K&H Personalized Medicine Clinic).